The following is an entry in ClinVar:

NM_001080467.3(MYO5B):c.3074C>T (p.Ala1025Val)

Gene: MYO5B (myosin VB; minus strand). Cytogenetic location: 18q21.1.
Variant type: single nucleotide variant.
Coding change: c.3074C>T on transcript NM_001080467.3 (MANE Select); coding-DNA position 3074, C replaced by T.
Protein change: p.Ala1025Val; replaces alanine 1025 with valine.
Molecular consequence: missense variant.
Genome position (GRCh38, 1-based): chr18:49,880,427, G>A on the plus strand (C>T on the coding strand, the complement: MYO5B is on the minus strand). VCF-style: chr18-49880427-G-A. GRCh37 (hg19) VCF-style: chr18-47406797-G-A.
Other names: short protein forms A1025V.
Identifiers: ClinVar variation 3053389 (VCV003053389.2), dbSNP rs2511261133, ClinGen allele CA402429311.

ClinVar aggregate classification (germline): Uncertain significance (0 of 4 stars; one submission).

Conditions:
MYO5B-related disorder. Also called: MYO5B-related condition.

Submission:

PreventionGenetics, part of Exact Sciences
Classification: Uncertain significance for MYO5B-related condition. Last evaluated: 2023-10-18. Review status: no assertion criteria provided. Collection method: clinical testing. Allele origin: germline.
Comment: The MYO5B c.3074C>T variant is predicted to result in the amino acid substitution p.Ala1025Val. To our knowledge, this variant has not been reported in the literature or in a large population database, indicating this variant is rare. At this time, the clinical significance of this variant is uncertain due to the absence of conclusive functional and genetic evidence.